The following is an entry in ClinVar:

ClinVar aggregate classification (germline): Uncertain significance. Review status: criteria provided, multiple submitters, no conflicts (2 of 4 stars). 3 submissions from 3 submitters: Uncertain significance (3). Last evaluated 2025-04-11.

Conditions:
Hereditary cancer-predisposing syndrome. Also called: Tumor predisposition; Hereditary Cancer Syndrome; Neoplastic Syndromes, Hereditary; Hereditary neoplastic syndrome. Identifiers: Orphanet 140162, MedGen C0027672, MeSH D009386, MONDO:0015356.

Submissions (3):

Ambry Genetics
Classification: Uncertain significance for Hereditary cancer-predisposing syndrome. Last evaluated: 2025-04-11. Review status: criteria provided, single submitter. Criteria: Ambry Variant Classification Scheme 2023. Collection method: clinical testing. Allele origin: germline.
Comment: The p.K431T variant (also known as c.1292A>C), located in coding exon 9 of the STK11 gene, results from an A to C substitution at nucleotide position 1292. The lysine at codon 431 is replaced by threonine, an amino acid with similar properties. This amino acid position is conserved. In addition, this alteration is predicted to be tolerated by in silico analysis. Based on the available evidence, the clinical significance of this variant remains unclear.

Women's Health and Genetics/Laboratory Corporation of America, LabCorp
Classification: Uncertain significance. Last evaluated: 2025-02-01. Review status: criteria provided, single submitter. Criteria: LabCorp Variant Classification Summary - May 2015. Collection method: clinical testing. Allele origin: germline.

Color Diagnostics, LLC DBA Color Health
Classification: Uncertain significance for Hereditary cancer-predisposing syndrome. Last evaluated: 2024-03-07. Review status: criteria provided, single submitter. Criteria: ACMG Guidelines, 2015. Collection method: clinical testing. Allele origin: germline.
Comment: This missense variant replaces lysine with threonine at codon 431 of the STK11 protein. Computational prediction suggests that this variant may not impact protein structure and function (internally defined REVEL score threshold <= 0.5, PMID: 27666373). To our knowledge, functional studies have not been reported for this variant. This variant has not been reported in individuals affected with STK11-related disorders in the literature. This variant has not been identified in the general population by the Genome Aggregation Database (gnomAD). The available evidence is insufficient to determine the role of this variant in disease conclusively. Therefore, this variant is classified as a Variant of Uncertain Significance.

NM_000455.5(STK11):c.1292A>C (p.Lys431Thr)

Gene: STK11 (serine/threonine kinase 11; plus strand). Cytogenetic location: 19p13.3.
Variant type: single nucleotide variant.
Coding change: c.1292A>C on transcript NM_000455.5 (MANE Select); coding-DNA position 1292, A replaced by C.
Protein change: p.Lys431Thr; replaces lysine 431 with threonine.
Molecular consequence: missense variant.
Genome position (GRCh38, 1-based): chr19:1,226,637, A>C. VCF-style: chr19-1226637-A-C. GRCh37 (hg19) VCF-style: chr19-1226636-A-C.
Other names: short protein forms K431T.
Identifiers: ClinVar variation 1332544 (VCV001332544.6), dbSNP rs2145436646, ClinGen allele CA402954281.